The following is an entry in ClinVar:

ClinVar aggregate classification (germline): Uncertain significance (1 of 4 stars; one submission).

Conditions:
Early-infantile DEE. Also called: Early infantile epileptic encephalopathy with suppression bursts; Early infantile epileptic encephalopathy; Ohtahara syndrome. Identifiers: Orphanet 1934, MedGen C0393706, MONDO:0800491.

Submission:

Labcorp Genetics (formerly Invitae), Labcorp
Classification: Uncertain significance for Early-infantile DEE. Last evaluated: 2021-12-01. Review status: criteria provided, single submitter. Criteria: Invitae Variant Classification Sherloc (09022015). Collection method: clinical testing. Allele origin: germline.
Comment: This variant has not been reported in the literature in individuals affected with SPTAN1-related conditions. This variant is not present in population databases (gnomAD no frequency). This sequence change replaces histidine, which is basic and polar, with glutamine, which is neutral and polar, at codon 1947 of the SPTAN1 protein (p.His1947Gln). Algorithms developed to predict the effect of missense changes on protein structure and function are either unavailable or do not agree on the potential impact of this missense change (SIFT: "Deleterious"; PolyPhen-2: "Probably Damaging"; Align-GVGD: "Class C15"). In summary, the available evidence is currently insufficient to determine the role of this variant in disease. Therefore, it has been classified as a Variant of Uncertain Significance.

NM_001130438.3(SPTAN1):c.5841C>G (p.His1947Gln)

Gene: SPTAN1 (spectrin alpha, non-erythrocytic 1; plus strand). Cytogenetic location: 9q34.11.
Variant type: single nucleotide variant.
Coding change: c.5841C>G on transcript NM_001130438.3 (MANE Select); coding-DNA position 5841, C replaced by G.
Protein change: p.His1947Gln; replaces histidine 1947 with glutamine.
Molecular consequence: missense variant.
Genome position (GRCh38, 1-based): chr9:128,624,336, C>G. VCF-style: chr9-128624336-C-G. GRCh37 (hg19) VCF-style: chr9-131386615-C-G.
Other names: c.5766C>G, p.His1922Gln (NM_001195532.2); c.5841C>G, p.His1947Gln (NM_001363759.2, NM_001375310.1, NM_001375311.2 and 1 more transcripts); c.5781C>G, p.His1927Gln (NM_001363765.2, NM_001375314.2); c.5877C>G, p.His1959Gln (NM_001375312.2, NM_001375318.1); c.5826C>G, p.His1942Gln (NM_003127.4); short protein forms H1922Q, H1927Q, H1959Q, H1942Q, H1947Q.
Identifiers: ClinVar variation 1463712 (VCV001463712.7), dbSNP rs1564311308, ClinGen allele CA375081713.